The following is an entry in ClinVar:

ClinVar aggregate classification (germline): Uncertain significance. Review status: criteria provided, multiple submitters, no conflicts (2 of 4 stars). 2 submissions from 2 submitters: Uncertain significance (2). Last evaluated 2026-07-03.

Conditions:
Duchenne muscular dystrophy (DMD). Also called: Duchenne Muscular Dystrophy (DMD); MUSCULAR DYSTROPHY, PSEUDOHYPERTROPHIC PROGRESSIVE, DUCHENNE TYPE. Identifiers: Orphanet 98896, MedGen C0013264, MONDO:0010679, OMIM 310200.
Cardiovascular phenotype. Identifiers: MedGen CN230736.

Allele frequency attached by ClinVar (database versions not stated): gnomAD exomes below 0.00001.
gnomAD v4.1: 1 of 1,210,160 alleles (0.000083%); highest among the groups gnomAD compares: Non-Finnish European, 0.00011%; no homozygotes.

Submissions (2):

Ambry Genetics
Classification: Uncertain significance for Cardiovascular phenotype. Last evaluated: 2026-07-03. Review status: criteria provided, single submitter. Criteria: Ambry Variant Classification Scheme 2023. Collection method: clinical testing. Allele origin: germline.

Labcorp Genetics (formerly Invitae), Labcorp
Classification: Uncertain significance for Duchenne muscular dystrophy. Last evaluated: 2023-10-08. Review status: criteria provided, single submitter. Criteria: Invitae Variant Classification Sherloc (09022015). Collection method: clinical testing. Allele origin: germline.
Comment: This sequence change replaces lysine, which is basic and polar, with methionine, which is neutral and non-polar, at codon 1843 of the DMD protein (p.Lys1843Met). This variant is not present in population databases (gnomAD no frequency). This variant has not been reported in the literature in individuals affected with DMD-related conditions. Advanced modeling of protein sequence and biophysical properties (such as structural, functional, and spatial information, amino acid conservation, physicochemical variation, residue mobility, and thermodynamic stability) performed at Invitae indicates that this missense variant is not expected to disrupt DMD protein function. In summary, the available evidence is currently insufficient to determine the role of this variant in disease. Therefore, it has been classified as a Variant of Uncertain Significance.

NM_004006.3(DMD):c.5528A>T (p.Lys1843Met)

Gene: DMD (dystrophin; minus strand). Cytogenetic location: Xp21.1.
Variant type: single nucleotide variant.
Coding change: c.5528A>T on transcript NM_004006.3 (MANE Select); coding-DNA position 5528, A replaced by T.
Protein change: p.Lys1843Met; replaces lysine 1843 with methionine.
Molecular consequence: missense variant.
Genome position (GRCh38, 1-based): chrX:32,346,001, T>A on the plus strand (A>T on the coding strand, the complement: DMD is on the minus strand). VCF-style: chrX-32346001-T-A. GRCh37 (hg19) VCF-style: chrX-32364118-T-A.
Other names: c.5504A>T, p.Lys1835Met (NM_000109.4); c.5516A>T, p.Lys1839Met (NM_004009.3); c.5159A>T, p.Lys1720Met (NM_004010.3); c.1505A>T, p.Lys502Met (NM_004011.4); c.1496A>T, p.Lys499Met (NM_004012.4); short protein forms K1835M, K1843M, K499M, K1839M, K1720M, K502M.
Identifiers: ClinVar variation 2875288 (VCV002875288.4), dbSNP rs2521962884, ClinGen allele CA412667335.
Genomic context (GRCh38, chrX:32,346,001, plus strand): 5'-ACCTTGAGAGCATTATGTTTTGTCTGTAACAGCTGCTGTTTTATCTTTATTTCCTCTCGC[T>A]TTCTCTCATCTGTGATTCTTTGTTGTAAGTTGTCTCCTCTTTGCAACAATTCTTTTACAG-3'
Protein context (NP_003997.2, residues 1833-1853): NLQQRITDER[Lys1843Met]REEIKIKQQL